The following is an entry in ClinVar:

ClinVar aggregate classification (germline): Uncertain significance (1 of 4 stars; one submission).

Conditions:
Primary ciliary dyskinesia. Also called: Ciliary dyskinesia. Identifiers: Orphanet 244, MedGen C0008780, MONDO:0016575, HP:0012265.

Submission:

Labcorp Genetics (formerly Invitae), Labcorp
Classification: Uncertain significance for Primary ciliary dyskinesia. Last evaluated: 2022-04-28. Review status: criteria provided, single submitter. Criteria: Invitae Variant Classification Sherloc (09022015). Collection method: clinical testing. Allele origin: germline.
Comment: In summary, the available evidence is currently insufficient to determine the role of this variant in disease. Therefore, it has been classified as a Variant of Uncertain Significance. Algorithms developed to predict the effect of missense changes on protein structure and function output the following: SIFT: "Not Available"; PolyPhen-2: "Not Available"; Align-GVGD: "Not Available". The glutamic acid amino acid residue is found in multiple mammalian species, which suggests that this missense change does not adversely affect protein function. This variant has not been reported in the literature in individuals affected with RPGR (ORF15)-related conditions. This variant is not present in population databases (gnomAD no frequency). This sequence change replaces glycine, which is neutral and non-polar, with glutamic acid, which is acidic and polar, at codon 895 of the RPGR (ORF15) protein (p.Gly895Glu).

NM_001034853.2(RPGR):c.2684G>A (p.Gly895Glu)

Gene: RPGR (retinitis pigmentosa GTPase regulator; minus strand). Cytogenetic location: Xp11.4.
Variant type: single nucleotide variant.
Coding change: c.2684G>A on transcript NM_001034853.2 (MANE Select); coding-DNA position 2684, G replaced by A.
Protein change: p.Gly895Glu; replaces glycine 895 with glutamic acid.
Molecular consequence: missense variant. On other transcripts: intron variant (8).
Genome position (GRCh38, 1-based): chrX:38,286,315, C>T on the plus strand (G>A on the coding strand, the complement: RPGR is on the minus strand). VCF-style: chrX-38286315-C-T. GRCh37 (hg19) VCF-style: chrX-38145568-C-T.
Other names: c.1569+4644G>A (NM_001367249.1, NM_001367250.1); c.1902+779G>A (NM_001367245.1); c.1386+4644G>A (NM_001367251.1); c.1719+779G>A (NM_001367246.1); c.1572+4644G>A (NM_001367247.1); c.1905+779G>A (NM_000328.3); c.1602+4644G>A (NM_001367248.1); short protein forms G895E.
Identifiers: ClinVar variation 2143954 (VCV002143954.4), dbSNP rs2067161866, ClinGen allele CA412730035.